The following is an entry in ClinVar:

ClinVar aggregate classification (germline): Uncertain significance. Review status: criteria provided, multiple submitters, no conflicts (2 of 4 stars). 2 submissions from 2 submitters: Uncertain significance (2). Last evaluated 2025-10-02.

Conditions:
Inborn genetic diseases. Identifiers: MedGen C0950123, MeSH D030342.
Klippel-Feil syndrome 1, autosomal dominant (KFS1). Also called: CERVICAL VERTEBRAL FUSION, AUTOSOMAL DOMINANT. Identifiers: Orphanet 2345, MedGen C1861689, MONDO:0007306, OMIM 118100.
Leber congenital amaurosis 17 (LCA17). Identifiers: Orphanet 65, MedGen C3715164, MONDO:0014145, OMIM 615360.
Microphthalmia, isolated, with coloboma 6 (MCOPCB6). Also called: Microphthalmia with coloboma 6, digenic; Microphthalmia with coloboma 6; MICROPHTHALMIA/COLOBOMA 6. Identifiers: Orphanet 98938, MedGen C3150968, MONDO:0013376, OMIM 613703.
Isolated microphthalmia 4. Identifiers: Orphanet 2542, MedGen C2751307, MONDO:0013130, OMIM 613094.

Allele frequency attached by ClinVar (database versions not stated): gnomAD 0.00003 and 0.00004; TOPMed 0.00003.

Submissions (2):

Ambry Genetics
Classification: Uncertain significance for Inborn genetic diseases. Last evaluated: 2025-10-02. Review status: criteria provided, single submitter. Criteria: Ambry Variant Classification Scheme 2023. Collection method: clinical testing. Allele origin: germline.

Labcorp Genetics (formerly Invitae), Labcorp
Classification: Uncertain significance for Isolated microphthalmia 4; Leber congenital amaurosis 17; Klippel-Feil syndrome 1, autosomal dominant; Microphthalmia, isolated, with coloboma 6. Last evaluated: 2024-01-19. Review status: criteria provided, single submitter. Criteria: Invitae Variant Classification Sherloc (09022015). Collection method: clinical testing. Allele origin: germline.
Comment: This sequence change replaces arginine, which is basic and polar, with histidine, which is basic and polar, at codon 286 of the GDF6 protein (p.Arg286His). The frequency data for this variant in the population databases is considered unreliable, as metrics indicate poor data quality at this position in the gnomAD database. This variant has not been reported in the literature in individuals affected with GDF6-related conditions. ClinVar contains an entry for this variant (Variation ID: 1448520). Advanced modeling of protein sequence and biophysical properties (such as structural, functional, and spatial information, amino acid conservation, physicochemical variation, residue mobility, and thermodynamic stability) performed at Invitae indicates that this missense variant is not expected to disrupt GDF6 protein function with a negative predictive value of 80%. In summary, the available evidence is currently insufficient to determine the role of this variant in disease. Therefore, it has been classified as a Variant of Uncertain Significance.

NM_001001557.4(GDF6):c.857G>A (p.Arg286His)

Gene: GDF6 (growth differentiation factor 6; minus strand). Cytogenetic location: 8q22.1.
Variant type: single nucleotide variant.
Coding change: c.857G>A on transcript NM_001001557.4 (MANE Select); coding-DNA position 857, G replaced by A.
Protein change: p.Arg286His; replaces arginine 286 with histidine.
Molecular consequence: missense variant.
Genome position (GRCh38, 1-based): chr8:96,145,074, C>T on the plus strand (G>A on the coding strand, the complement: GDF6 is on the minus strand). VCF-style: chr8-96145074-C-T. GRCh37 (hg19) VCF-style: chr8-97157302-C-T.
Other names: c.857G>A (NM_001001557.2); short protein forms R286H.
Identifiers: ClinVar variation 1448520 (VCV001448520.9), dbSNP rs764553577, ClinGen allele CA4815399.